The following is an entry in ClinVar:

ClinVar aggregate classification (germline): Likely pathogenic (1 of 4 stars; one submission).

Submission:

GeneDx
Classification: Likely pathogenic. Last evaluated: 2023-03-16. Review status: criteria provided, single submitter. Criteria: GeneDx Variant Classification Process June 2021. Collection method: clinical testing. Allele origin: germline. Affected: yes.
Comment: Alters the last nucleotide of the exon and is predicted to destroy the splice donor site and result in aberrant splicing, although in the absence of functional evidence the actual effect of this sequence change is unknown; Not observed at significant frequency in large population cohorts (gnomAD); In silico analysis supports that this missense variant does not alter protein structure/function; Has not been previously published as pathogenic or benign to our knowledge

NM_001042492.3(NF1):c.6642G>C (p.Glu2214Asp)

Gene: NF1 (neurofibromin 1; plus strand). Cytogenetic location: 17q11.2.
Variant type: single nucleotide variant.
Coding change: c.6642G>C on transcript NM_001042492.3 (MANE Select); coding-DNA position 6642, G replaced by C.
Protein change: p.Glu2214Asp; replaces glutamic acid 2214 with aspartic acid.
Molecular consequence: missense variant.
Genome position (GRCh38, 1-based): chr17:31,337,582, G>C. VCF-style: chr17-31337582-G-C. GRCh37 (hg19) VCF-style: chr17-29664600-G-C.
Other names: c.6579G>C, p.Glu2193Asp (NM_000267.4); short protein forms E2193D, E2214D.
Identifiers: ClinVar variation 561893 (VCV000561893.2), dbSNP rs876660207, ClinGen allele CA399013591.